The following is an entry in ClinVar:

ClinVar aggregate classification (germline): Conflicting classifications of pathogenicity. Review status: criteria provided, conflicting classifications (1 of 4 stars). 7 submissions from 7 submitters: Uncertain significance (1); Benign (1); Likely benign (3). 2 of the submissions do not count toward it. Last evaluated 2026-01-14.

Conditions:
Pyruvate dehydrogenase complex deficiency (PDHC). Also called: PYRUVATE DECARBOXYLASE DEFICIENCY; Pyruvate dehydrogenase deficiency; Ataxia with lactic acidosis 1; PDH DEFICIENCY; Pyruvate Dehydrogenase Complex Deficiency Disease. Identifiers: Orphanet 765, Orphanet 79243, MedGen C0034345, MONDO:0019169.
Inborn genetic diseases. Identifiers: MedGen C0950123, MeSH D030342.
PDHA1-related disorder. Also called: PDHA1-related condition.
Pyruvate dehydrogenase E1-alpha deficiency (PDHAD). Also called: Ataxia, intermittent, with pyruvate dehydrogenase, or decarboxylase, deficiency; ATAXIA, INTERMITTENT, WITH PYRUVATE DEHYDROGENASE DEFICIENCY; ATAXIA WITH LACTIC ACIDOSIS I; ATAXIA, INTERMITTENT, WITH ABNORMAL PYRUVATE METABOLISM. Identifiers: Orphanet 79243, MedGen C1839413, MONDO:0010717, OMIM 312170.

Allele frequency attached by ClinVar (database versions not stated): TOPMed 0.00093; ESP Exome Variant Server 0.00104; 1000 Genomes Project 0.00159; 1000 Genomes Project 30x 0.00166; gnomAD exomes 0.00018; ExAC 0.00026; gnomAD 0.00076 and 0.00077.
gnomAD v4.1: 191 of 1,191,287 alleles (0.016%); highest among the groups gnomAD compares: African/African-American, 0.27%; no homozygotes.

Submissions (7):

Labcorp Genetics (formerly Invitae), Labcorp
Classification: Benign for Pyruvate dehydrogenase E1-alpha deficiency. Last evaluated: 2026-01-14. Review status: criteria provided, single submitter. Criteria: Invitae Variant Classification Sherloc (09022015). Collection method: clinical testing. Allele origin: germline.

Blueprint Genetics
Classification: Likely benign. Last evaluated: 2023-02-17. Review status: criteria provided, single submitter. Criteria: ACMG Guidelines, 2015. Collection method: clinical testing. Allele origin: germline.

GeneDx
Classification: Likely benign. Last evaluated: 2019-10-17. Review status: criteria provided, single submitter. Criteria: GeneDx Variant Classification Process June 2021. Collection method: clinical testing. Allele origin: germline. Affected: yes.

Ambry Genetics
Classification: Likely benign for Inborn genetic diseases. Last evaluated: 2018-01-16. Review status: criteria provided, single submitter. Criteria: Ambry Variant Classification Scheme 2023. Collection method: clinical testing. Allele origin: germline.

Eurofins Ntd Llc (ga)
Classification: Uncertain significance. Last evaluated: 2015-11-24. Review status: criteria provided, single submitter. Criteria: EGL Classification Definitions 2015. Collection method: clinical testing. Allele origin: germline. Observed: 1 variant allele, 1 hemizygote.

PreventionGenetics, part of Exact Sciences
Classification: Likely benign for PDHA1-related condition. Last evaluated: 2023-09-01. Review status: no assertion criteria provided. Collection method: clinical testing. Allele origin: germline. Not counted in ClinVar's aggregate classification.
Comment: This variant is classified as likely benign based on ACMG/AMP sequence variant interpretation guidelines (Richards et al. 2015 PMID: 25741868, with internal and published modifications).

Natera, Inc.
Classification: Likely benign for Pyruvate decarboxylase deficiency. Last evaluated: 2019-10-24. Review status: no assertion criteria provided. Collection method: clinical testing. Allele origin: germline. Not counted in ClinVar's aggregate classification.

NM_000284.4(PDHA1):c.507G>A (p.Ala169=)

Gene: PDHA1 (pyruvate dehydrogenase E1 subunit alpha 1; plus strand). Cytogenetic location: Xp22.12.
Variant type: single nucleotide variant.
Coding change: c.507G>A on transcript NM_000284.4 (MANE Select); coding-DNA position 507, G replaced by A.
Protein change: p.Ala169=; no amino-acid change (alanine 169 retained).
Molecular consequence: synonymous variant.
Genome position (GRCh38, 1-based): chrX:19,353,170, G>A. VCF-style: chrX-19353170-G-A. GRCh37 (hg19) VCF-style: chrX-19371288-G-A.
Other names: c.621G>A (NM_001173454.1); c.621G>A, p.Ala207= (NM_001173454.2); c.528G>A, p.Ala176= (NM_001173455.2); c.507G>A, p.Ala169= (NM_001173456.2).
Identifiers: ClinVar variation 285003 (VCV000285003.23), dbSNP rs141862527, ClinGen allele CA10363043.